The following is an entry in ClinVar:

ClinVar aggregate classification (germline): Uncertain significance. Review status: criteria provided, multiple submitters, no conflicts (2 of 4 stars). 2 submissions from 2 submitters: Uncertain significance (2). Last evaluated 2025-04-02.

Conditions:
Retinal dystrophy. Also called: Inherited retinal dystrophy. Identifiers: Orphanet 71862, MedGen C0854723, MeSH D058499, MONDO:0019118, HP:0000556.
Leber congenital amaurosis 7 (LCA7). Identifiers: Orphanet 65, MedGen C3151192, MONDO:0013449, OMIM 613829.
Cone-rod dystrophy 2 (CORD2). Also called: CONE-ROD RETINAL DYSTROPHY; Cone-rod retinal dystrophy 2. Identifiers: Orphanet 1872, MedGen C3489532, MONDO:0007362, OMIM 120970.

Allele frequency attached by ClinVar (database versions not stated): gnomAD exomes below 0.00001; ExAC 0.00001.

Submissions (2):

Labcorp Genetics (formerly Invitae), Labcorp
Classification: Uncertain significance for Cone-rod dystrophy 2; Leber congenital amaurosis 7. Last evaluated: 2025-04-02. Review status: criteria provided, single submitter. Criteria: Invitae Variant Classification Sherloc (09022015). Collection method: clinical testing. Allele origin: germline.
Comment: This sequence change replaces aspartic acid, which is acidic and polar, with tyrosine, which is neutral and polar, at codon 265 of the CRX protein (p.Asp265Tyr). This variant is present in population databases (rs751790087, gnomAD 0.003%). This missense change has been observed in individuals with clinical features of CRX-related conditions (PMID: 31816670; internal data). ClinVar contains an entry for this variant (Variation ID: 1401412). Invitae Evidence Modeling of protein sequence and biophysical properties (such as structural, functional, and spatial information, amino acid conservation, physicochemical variation, residue mobility, and thermodynamic stability) has been performed for this missense variant. However, the output from this modeling did not meet the statistical confidence thresholds required to predict the impact of this variant on CRX protein function. In summary, the available evidence is currently insufficient to determine the role of this variant in disease. Therefore, it has been classified as a Variant of Uncertain Significance.

Institute of Human Genetics, Univ. Regensburg, Univ. Regensburg
Classification: Uncertain significance for Retinal dystrophy. Last evaluated: 2022-01-01. Review status: criteria provided, single submitter. Criteria: ACMG Guidelines, 2015. Collection method: clinical testing. Allele origin: germline. Affected: yes.

Literature cited by the submitters: PubMed 31816670 (cited by Labcorp Genetics (formerly Invitae), Labcorp and Institute of Human Genetics, Univ. Regensburg, Univ. Regensburg).

NM_000554.6(CRX):c.793G>T (p.Asp265Tyr)

Gene: CRX (cone-rod homeobox; plus strand). Cytogenetic location: 19q13.33.
Variant type: single nucleotide variant.
Coding change: c.793G>T on transcript NM_000554.6 (MANE Select); coding-DNA position 793, G replaced by T.
Protein change: p.Asp265Tyr; replaces aspartic acid 265 with tyrosine.
Molecular consequence: missense variant.
Genome position (GRCh38, 1-based): chr19:47,839,860, G>T. VCF-style: chr19-47839860-G-T. GRCh37 (hg19) VCF-style: chr19-48343117-G-T.
Other names: short protein forms D265Y.
Identifiers: ClinVar variation 1401412 (VCV001401412.9), dbSNP rs751790087, ClinGen allele CA9544576.